The following is an entry in ClinVar:

NM_004304.5(ALK):c.2676C>T (p.Ala892=)

Gene: ALK (ALK receptor tyrosine kinase; minus strand). Cytogenetic location: 2p23.2.
Variant type: single nucleotide variant.
Coding change: c.2676C>T on transcript NM_004304.5 (MANE Select); coding-DNA position 2676, C replaced by T.
Protein change: p.Ala892=; no amino-acid change (alanine 892 retained).
Molecular consequence: synonymous variant.
Genome position (GRCh38, 1-based): chr2:29,229,023, G>A on the plus strand (C>T on the coding strand, the complement: ALK is on the minus strand). VCF-style: chr2-29229023-G-A. GRCh37 (hg19) VCF-style: chr2-29451889-G-A.
Identifiers: ClinVar variation 239811 (VCV000239811.48), dbSNP rs138668699, ClinGen allele CA1594219.

ClinVar aggregate classification (germline): Benign/Likely benign. Review status: criteria provided, multiple submitters, no conflicts (2 of 4 stars). 8 submissions from 8 submitters: Benign (3); Likely benign (4). 1 of the submissions does not count toward it. Last evaluated 2026-06-01.

Conditions:
Hereditary cancer-predisposing syndrome. Also called: Tumor predisposition; Hereditary Cancer Syndrome; Neoplastic Syndromes, Hereditary; Hereditary neoplastic syndrome. Identifiers: Orphanet 140162, MedGen C0027672, MeSH D009386, MONDO:0015356.
ALK-related disorder. Also called: ALK-related condition.
Neuroblastoma, susceptibility to, 3. Also called: ALK-Related Neuroblastic Tumor Susceptibility. Identifiers: Orphanet 635, MedGen C2751681, MONDO:0013083, OMIM 613014.

Allele frequency attached by ClinVar (database versions not stated): ESP Exome Variant Server 0.00069; TOPMed 0.00069; 1000 Genomes Project 30x 0.00125; gnomAD 0.00159 and 0.00164; 1000 Genomes Project 0.00160; ExAC 0.00190; gnomAD exomes 0.00220.
gnomAD v4.1: 1,866 of 1,601,550 alleles (0.12%); highest among the groups gnomAD compares: East Asian, 0.56%; 9 homozygotes.

Submissions (8):

CeGaT Center for Human Genetics Tuebingen
Classification: Likely benign. Last evaluated: 2026-06-01. Review status: criteria provided, single submitter. Criteria: CeGaT Center For Human Genetics Tuebingen Variant Classification Criteria Version 2. Collection method: clinical testing. Allele origin: germline. Affected: yes. Observed: 5 variant alleles.
Comment: ALK: BP4, BP7

Labcorp Genetics (formerly Invitae), Labcorp
Classification: Benign for Neuroblastoma, susceptibility to, 3. Last evaluated: 2026-01-27. Review status: criteria provided, single submitter. Criteria: Invitae Variant Classification Sherloc (09022015). Collection method: clinical testing. Allele origin: germline.

Blueprint Genetics
Classification: Likely benign. Last evaluated: 2024-11-04. Review status: criteria provided, single submitter. Criteria: ACMG Guidelines, 2015. Collection method: clinical testing. Allele origin: germline.

GeneDx
Classification: Likely benign. Last evaluated: 2020-02-24. Review status: criteria provided, single submitter. Criteria: GeneDx Variant Classification Process June 2021. Collection method: clinical testing. Allele origin: germline. Affected: yes.

Illumina Laboratory Services, Illumina
Classification: Benign for Neuroblastoma, susceptibility to, 3. Last evaluated: 2018-01-12. Review status: criteria provided, single submitter. Criteria: ICSL Variant Classification Criteria 13 December 2019. Collection method: clinical testing. Allele origin: germline.
Comment: This variant was observed in the ICSL laboratory as part of a predisposition screen in an ostensibly healthy population. It had not been previously curated by ICSL or reported in the Human Gene Mutation Database (HGMD: prior to June 1st, 2018), and was therefore a candidate for classification through an automated scoring system. Utilizing variant allele frequency, disease prevalence and penetrance estimates, and inheritance mode, an automated score was calculated to assess if this variant is too frequent to cause the disease. Based on the score and internal cut-off values, a variant classified as benign is not then subjected to further curation. The score for this variant resulted in a classification of benign for this disease.

Ambry Genetics
Classification: Benign for Hereditary cancer-predisposing syndrome. Last evaluated: 2017-01-06. Review status: criteria provided, single submitter. Criteria: Ambry Variant Classification Scheme 2023. Collection method: clinical testing. Allele origin: germline.

Breakthrough Genomics
Classification: Likely benign. Review status: criteria provided, single submitter. Criteria: ACMG Guidelines, 2015. Collection method: not provided. Allele origin: germline. Inheritance: Unknown mechanism. Affected: yes.

PreventionGenetics, part of Exact Sciences
Classification: Benign for ALK-related condition. Last evaluated: 2019-06-25. Review status: no assertion criteria provided. Collection method: clinical testing. Allele origin: germline. Not counted in ClinVar's aggregate classification.
Comment: This variant is classified as benign based on ACMG/AMP sequence variant interpretation guidelines (Richards et al. 2015 PMID: 25741868, with internal and published modifications).